The following is an entry in ClinVar:

NM_001042545.2(LTBP4):c.2735A>G (p.Glu912Gly)

Gene: LTBP4 (latent transforming growth factor beta binding protein 4; plus strand). Cytogenetic location: 19q13.2.
Variant type: single nucleotide variant.
Coding change: c.2735A>G on transcript NM_001042545.2 (MANE Select); coding-DNA position 2735, A replaced by G.
Protein change: p.Glu912Gly; replaces glutamic acid 912 with glycine.
Molecular consequence: missense variant.
Genome position (GRCh38, 1-based): chr19:40,614,369, A>G. VCF-style: chr19-40614369-A-G. GRCh37 (hg19) VCF-style: chr19-41120275-A-G.
Other names: c.2936A>G, p.Glu979Gly (NM_001042544.1); c.2825A>G, p.Glu942Gly (NM_003573.2); short protein forms E979G, E912G, E942G.
Identifiers: ClinVar variation 1388624 (VCV001388624.5), dbSNP rs774224570, ClinGen allele CA9448784.

ClinVar aggregate classification (germline): Uncertain significance (1 of 4 stars; one submission).

Allele frequency attached by ClinVar (database versions not stated): ExAC 0.00001; gnomAD 0.00001 and 0.00002; gnomAD exomes 0.00001; TOPMed 0.00002.
gnomAD v4.1: 15 of 1,600,342 alleles (0.00094%); highest among the groups gnomAD compares: Middle Eastern, 0.016%; no homozygotes.

Submission:

Labcorp Genetics (formerly Invitae), Labcorp
Classification: Uncertain significance. Last evaluated: 2024-09-28. Review status: criteria provided, single submitter. Criteria: Invitae Variant Classification Sherloc (09022015). Collection method: clinical testing. Allele origin: germline.
Comment: This sequence change replaces glutamic acid, which is acidic and polar, with glycine, which is neutral and non-polar, at codon 942 of the LTBP4 protein (p.Glu942Gly). This variant is present in population databases (rs774224570, gnomAD 0.003%). This variant has not been reported in the literature in individuals affected with LTBP4-related conditions. ClinVar contains an entry for this variant (Variation ID: 1388624). Experimental studies and prediction algorithms are not available or were not evaluated, and the functional significance of this variant is currently unknown. In summary, the available evidence is currently insufficient to determine the role of this variant in disease. Therefore, it has been classified as a Variant of Uncertain Significance.